The following is an entry in ClinVar:

NM_001267550.2(TTN):c.74972T>C (p.Ile24991Thr)

Genes: TTN (titin; minus strand), TTN-AS1 (TTN antisense RNA 1; plus strand). Cytogenetic location: 2q31.2.
Variant type: single nucleotide variant.
Coding change: c.74972T>C on transcript NM_001267550.2 (MANE Select); coding-DNA position 74972, T replaced by C.
Protein change: p.Ile24991Thr; replaces isoleucine 24991 with threonine.
Molecular consequence: missense variant.
Genome position (GRCh38, 1-based): chr2:178,571,160, A>G on the plus strand (T>C on the coding strand, the complement: TTN is on the minus strand). VCF-style: chr2-178571160-A-G. GRCh37 (hg19) VCF-style: chr2-179435887-A-G.
Other names: p.I23350T:ATT>ACT; c.48353T>C, p.Ile16118Thr (NM_133437.4); c.70049T>C, p.Ile23350Thr (NM_001256850.1); c.47777T>C, p.Ile15926Thr (NM_003319.4); c.67268T>C, p.Ile22423Thr (NM_133378.4); c.48152T>C, p.Ile16051Thr (NM_133432.3); short protein forms I24991T, I22423T, I23350T, I15926T, I16051T, I16118T.
Identifiers: ClinVar variation 47333 (VCV000047333.57), dbSNP rs744427, ClinGen allele CA283749.

ClinVar aggregate classification (germline): Benign/Likely benign. Review status: criteria provided, multiple submitters, no conflicts (2 of 4 stars). 28 submissions from 21 submitters: Benign (18); Likely benign (3). 7 of the submissions do not count toward it. Last evaluated 2026-02-03.

Conditions:
TTN-related disorder. Also called: TTN-related disorders; TTN-related condition; TTN-related disease.
Cardiovascular phenotype. Identifiers: MedGen CN230736.
Dilated cardiomyopathy 1G (CMD1G). Identifiers: Orphanet 154, MedGen C1858763, MONDO:0011400, OMIM 604145.
Autosomal recessive limb-girdle muscular dystrophy type 2J (LGMDR10). Also called: MUSCULAR DYSTROPHY, LIMB-GIRDLE, AUTOSOMAL RECESSIVE 10; Limb-girdle muscular dystrophy, type 2J. Identifiers: Orphanet 140922, MedGen C1837342, MONDO:0012127, OMIM 608807.
Cardiomyopathy (CMYO). Also called: Cardiomyopathies. Identifiers: Orphanet 167848, MedGen C0878544, MONDO:0004994, HP:0001638. Inheritance: Various modes of inheritance.
Early-onset myopathy with fatal cardiomyopathy (CMYO5). Also called: CONGENITAL MYOPATHY 5 WITH CARDIOMYOPATHY; Salih Myopathy. Identifiers: Orphanet 289377, MedGen C2673677, MONDO:0012714, OMIM 611705. Disease mechanism: loss of function.
Myopathy, myofibrillar, 9, with early respiratory failure (MFM9). Also called: Myopathy, distal, with early respiratory failure, autosomal dominant; Hereditary myopathy with early respiratory failure; MYOPATHY, PROXIMAL, WITH EARLY RESPIRATORY MUSCLE INVOLVEMENT; EDSTROM MYOPATHY. Identifiers: Orphanet 178464, Orphanet 34521, MedGen C1863599, MONDO:0011362, OMIM 603689.
Tibial muscular dystrophy (TMD). Also called: Udd Distal Myopathy – Tibial Muscular Dystrophy; Tibial muscular dystrophy, tardive; UDD MYOPATHY. Identifiers: Orphanet 609, MedGen C1838244, MONDO:0010870, OMIM 600334.

Allele frequency attached by ClinVar (database versions not stated): ExAC 0.00467; gnomAD 0.01445 and 0.01542; ESP Exome Variant Server 0.01576; 1000 Genomes Project 0.01637; 1000 Genomes Project 30x 0.01780; gnomAD exomes 0.00151 and 0.00362; TOPMed 0.01659.
gnomAD v4.1: 4,492 of 1,613,456 alleles (0.28%); highest among the groups gnomAD compares: African/African-American, 5.2%; 109 homozygotes.

Submissions (28):

Labcorp Genetics (formerly Invitae), Labcorp
Classification: Benign for Dilated cardiomyopathy 1G; Autosomal recessive limb-girdle muscular dystrophy type 2J. Last evaluated: 2026-02-03. Review status: criteria provided, single submitter. Criteria: Invitae Variant Classification Sherloc (09022015). Collection method: clinical testing. Allele origin: germline.

ARUP Laboratories, Molecular Genetics and Genomics, ARUP Laboratories
Classification: Benign. Last evaluated: 2025-07-08. Review status: criteria provided, single submitter. Criteria: ARUP Molecular Germline Variant Investigation Process 2024. Collection method: clinical testing. Allele origin: germline.

Molecular Diagnostic Laboratory for Inherited Cardiovascular Disease, Montreal Heart Institute
Classification: Benign. Last evaluated: 2025-04-09. Review status: criteria provided, single submitter. Criteria: ACMG Guidelines, 2015. Collection method: clinical testing. Allele origin: germline. Affected: no.

CHEO Genetics Diagnostic Laboratory, Children's Hospital of Eastern Ontario
Classification: Benign for Cardiomyopathy. Last evaluated: 2023-05-16. Review status: criteria provided, single submitter. Criteria: ACMG Guidelines, 2015. Collection method: clinical testing. Allele origin: germline.

Genome-Nilou Lab
Classification: Benign for Autosomal recessive limb-girdle muscular dystrophy type 2J. Last evaluated: 2021-09-10. Review status: criteria provided, single submitter. Criteria: ACMG Guidelines, 2015. Collection method: clinical testing. Allele origin: germline. Affected: no.

Genome-Nilou Lab
Classification: Benign for Myopathy, myofibrillar, 9, with early respiratory failure. Last evaluated: 2021-09-10. Review status: criteria provided, single submitter. Criteria: ACMG Guidelines, 2015. Collection method: clinical testing. Allele origin: germline. Affected: no.

Genome-Nilou Lab
Classification: Benign for Early-onset myopathy with fatal cardiomyopathy. Last evaluated: 2021-09-10. Review status: criteria provided, single submitter. Criteria: ACMG Guidelines, 2015. Collection method: clinical testing. Allele origin: germline. Affected: no.

Genome-Nilou Lab
Classification: Benign for Tibial muscular dystrophy. Last evaluated: 2021-09-10. Review status: criteria provided, single submitter. Criteria: ACMG Guidelines, 2015. Collection method: clinical testing. Allele origin: germline. Affected: no.

Women's Health and Genetics/Laboratory Corporation of America, LabCorp
Classification: Likely benign. Last evaluated: 2020-10-17. Review status: criteria provided, single submitter. Criteria: LabCorp Variant Classification Summary - May 2015. Collection method: clinical testing. Allele origin: germline.

Mayo Clinic Laboratories, Mayo Clinic
Classification: Benign. Last evaluated: 2018-02-07. Review status: criteria provided, single submitter. Criteria: ACMG Guidelines, 2015. Collection method: clinical testing. Allele origin: germline. Observed: 34 variant alleles.

Illumina Laboratory Services, Illumina
Classification: Benign for Tibial muscular dystrophy. Last evaluated: 2018-01-13. Review status: criteria provided, single submitter. Criteria: ICSL Variant Classification Criteria 13 December 2019. Collection method: clinical testing. Allele origin: germline.
Comment: This variant was observed in the ICSL laboratory as part of a predisposition screen in an ostensibly healthy population. It had not been previously curated by ICSL or reported in the Human Gene Mutation Database (HGMD: prior to June 1st, 2018), and was therefore a candidate for classification through an automated scoring system. Utilizing variant allele frequency, disease prevalence and penetrance estimates, and inheritance mode, an automated score was calculated to assess if this variant is too frequent to cause the disease. Based on the score and internal cut-off values, a variant classified as benign is not then subjected to further curation. The score for this variant resulted in a classification of benign for this disease.

Illumina Laboratory Services, Illumina
Classification: Likely benign for Dilated cardiomyopathy 1G. Last evaluated: 2018-01-13. Review status: criteria provided, single submitter. Criteria: ICSL Variant Classification Criteria 13 December 2019. Collection method: clinical testing. Allele origin: germline.
Comment: This variant was observed in the ICSL laboratory as part of a predisposition screen in an ostensibly healthy population. It had not been previously curated by ICSL or reported in the Human Gene Mutation Database (HGMD: prior to June 1st, 2018), and was therefore a candidate for classification through an automated scoring system. Utilizing variant allele frequency, disease prevalence and penetrance estimates, and inheritance mode, an automated score was calculated to assess if this variant is too frequent to cause the disease. Based on the score and internal cut-off values, a variant classified as likely benign is not then subjected to further curation. The score for this variant resulted in a classification of likely benign for this disease.

Illumina Laboratory Services, Illumina
Classification: Benign for Autosomal recessive limb-girdle muscular dystrophy type 2J. Last evaluated: 2018-01-13. Review status: criteria provided, single submitter. Criteria: ICSL Variant Classification Criteria 13 December 2019. Collection method: clinical testing. Allele origin: germline.
Comment: the same text as in the submission from Illumina Laboratory Services, Illumina above.

Illumina Laboratory Services, Illumina
Classification: Benign for Early-onset myopathy with fatal cardiomyopathy. Last evaluated: 2018-01-13. Review status: criteria provided, single submitter. Criteria: ICSL Variant Classification Criteria 13 December 2019. Collection method: clinical testing. Allele origin: germline.
Comment: the same text as in the submission from Illumina Laboratory Services, Illumina above.

Illumina Laboratory Services, Illumina
Classification: Benign for Myopathy, myofibrillar, 9, with early respiratory failure. Last evaluated: 2018-01-13. Review status: criteria provided, single submitter. Criteria: ICSL Variant Classification Criteria 13 December 2019. Collection method: clinical testing. Allele origin: germline.
Comment: the same text as in the submission from Illumina Laboratory Services, Illumina above.

Ambry Genetics
Classification: Benign for Cardiovascular phenotype. Last evaluated: 2015-07-08. Review status: criteria provided, single submitter. Criteria: Ambry Variant Classification Scheme 2023. Collection method: clinical testing. Allele origin: germline.

Biesecker Lab/Clinical Genomics Section, National Institutes of Health
Classification: Benign. Last evaluated: 2013-06-24. Review status: criteria provided, single submitter. Criteria: Ng et al. (Circ Cardiovasc Genet. 2013). Collection method: research. Allele origin: unknown. Observed: 5 variant alleles. Study: ClinSeq.
Comment: The study set was not selected for affection status in relation to any cancer. Pathogenicity categories were based on literature curation. See Pubmed ID:23861362 for details.

Medical sequencing

Eurofins Ntd Llc (ga)
Classification: Benign. Last evaluated: 2013-03-12. Review status: criteria provided, single submitter. Criteria: EGL Classification Definitions 2015. Collection method: clinical testing. Allele origin: germline. Observed: 1 variant allele, 1 heterozygote.

GeneDx
Classification: Benign. Last evaluated: 2012-10-26. Review status: criteria provided, single submitter. Criteria: GeneDx Variant Classification (06012015). Collection method: clinical testing. Allele origin: germline. Affected: yes.
Comment: This variant is considered likely benign or benign based on one or more of the following criteria: it is a conservative change, it occurs at a poorly conserved position in the protein, it is predicted to be benign by multiple in silico algorithms, and/or has population frequency not consistent with disease.

Laboratory for Molecular Medicine, Mass General Brigham Personalized Medicine
Classification: Benign. Last evaluated: 2012-01-13. Review status: criteria provided, single submitter. Criteria: LMM Criteria. Collection method: clinical testing. Allele origin: germline. Observed: 30 variant alleles.

Breakthrough Genomics
Classification: Likely benign. Review status: criteria provided, single submitter. Criteria: ACMG Guidelines, 2015. Collection method: not provided. Allele origin: germline. Inheritance: Autosomal recessive inheritance. Affected: yes.

PreventionGenetics, part of Exact Sciences
Classification: Benign for TTN-related condition. Last evaluated: 2019-05-20. Review status: no assertion criteria provided. Collection method: clinical testing. Allele origin: germline. Not counted in ClinVar's aggregate classification.
Comment: This variant is classified as benign based on ACMG/AMP sequence variant interpretation guidelines (Richards et al. 2015 PMID: 25741868, with internal and published modifications).

Clinical Genetics DNA and cytogenetics Diagnostics Lab, Erasmus MC, Erasmus Medical Center
Classification: Benign. Review status: no assertion criteria provided. Collection method: clinical testing. Allele origin: germline. Affected: yes. Study: VKGL Data-share Consensus. Not counted in ClinVar's aggregate classification.

Clinical Genetics, Academic Medical Center
Classification: Benign. Review status: no assertion criteria provided. Collection method: clinical testing. Allele origin: germline. Affected: yes. Study: VKGL Data-share Consensus. Not counted in ClinVar's aggregate classification.

Diagnostic Laboratory, Department of Genetics, University Medical Center Groningen
Classification: Likely benign. Review status: no assertion criteria provided. Collection method: clinical testing. Allele origin: germline. Affected: yes. Study: VKGL Data-share Consensus. Not counted in ClinVar's aggregate classification.

Genome Diagnostics Laboratory, University Medical Center Utrecht
Classification: Likely benign. Review status: no assertion criteria provided. Collection method: clinical testing. Allele origin: germline. Affected: yes. Study: VKGL Data-share Consensus. Not counted in ClinVar's aggregate classification.

Joint Genome Diagnostic Labs from Nijmegen and Maastricht, Radboudumc and MUMC+
Classification: Benign. Review status: no assertion criteria provided. Collection method: clinical testing. Allele origin: germline. Affected: yes. Study: VKGL Data-share Consensus. Not counted in ClinVar's aggregate classification.

Laboratory of Diagnostic Genome Analysis, Leiden University Medical Center (LUMC)
Classification: Likely benign. Review status: no assertion criteria provided. Collection method: clinical testing. Allele origin: germline. Affected: yes. Study: VKGL Data-share Consensus. Not counted in ClinVar's aggregate classification.